The following is an entry in ClinVar:

ClinVar aggregate classification (germline): Uncertain significance (1 of 4 stars; one submission).

Conditions:
Ullrich congenital muscular dystrophy 2 (UCMD2). Identifiers: Orphanet 75840, MedGen C4225314, MONDO:0014654, OMIM 616470.
Bethlem myopathy 2 (BTHLM2). Identifiers: Orphanet 536516, Orphanet 610, MedGen C4225313, MONDO:0034022, OMIM 616471.

Allele frequency attached by ClinVar (database versions not stated): gnomAD exomes below 0.00001 and 0.00003; gnomAD 0.00001; TOPMed 0.00001; ExAC 0.00001.
gnomAD v4.1: 32 of 1,595,856 alleles (0.002%); highest among the groups gnomAD compares: Non-Finnish European, 0.0025%; no homozygotes.

Submission:

Labcorp Genetics (formerly Invitae), Labcorp
Classification: Uncertain significance for Bethlem myopathy 2; Ullrich congenital muscular dystrophy 2. Last evaluated: 2025-11-12. Review status: criteria provided, single submitter. Criteria: Invitae Variant Classification Sherloc (09022015). Collection method: clinical testing. Allele origin: germline.
Comment: This sequence change replaces lysine, which is basic and polar, with isoleucine, which is neutral and non-polar, at codon 1519 of the COL12A1 protein (p.Lys1519Ile). This variant is present in population databases (rs767232468, gnomAD 0.0009%). This variant has not been reported in the literature in individuals affected with COL12A1-related conditions. ClinVar contains an entry for this variant (Variation ID: 845564). Invitae Evidence Modeling of protein sequence and biophysical properties (such as structural, functional, and spatial information, amino acid conservation, physicochemical variation, residue mobility, and thermodynamic stability) has been performed for this missense variant. However, the output from this modeling did not meet the statistical confidence thresholds required to predict the impact of this variant on COL12A1 protein function. In summary, the available evidence is currently insufficient to determine the role of this variant in disease. Therefore, it has been classified as a Variant of Uncertain Significance.

NM_004370.6(COL12A1):c.4556A>T (p.Lys1519Ile)

Gene: COL12A1 (collagen type XII alpha 1 chain; minus strand). Cytogenetic location: 6q13.
Variant type: single nucleotide variant.
Coding change: c.4556A>T on transcript NM_004370.6 (MANE Select); coding-DNA position 4556, A replaced by T.
Protein change: p.Lys1519Ile; replaces lysine 1519 with isoleucine.
Molecular consequence: missense variant.
Genome position (GRCh38, 1-based): chr6:75,146,106, T>A on the plus strand (A>T on the coding strand, the complement: COL12A1 is on the minus strand). VCF-style: chr6-75146106-T-A. GRCh37 (hg19) VCF-style: chr6-75855822-T-A.
Other names: c.1064A>T, p.Lys355Ile (NM_080645.3); short protein forms K1519I, K355I.
Identifiers: ClinVar variation 845564 (VCV000845564.8), dbSNP rs767232468, ClinGen allele CA3893425.